The following is an entry in ClinVar:

NM_000322.5(PRPH2):c.708C>T (p.Tyr236=)

Gene: PRPH2 (peripherin 2; minus strand). Cytogenetic location: 6p21.1.
Variant type: single nucleotide variant.
Coding change: c.708C>T on transcript NM_000322.5 (MANE Select); coding-DNA position 708, C replaced by T.
Protein change: p.Tyr236=; no amino-acid change (tyrosine 236 retained).
Molecular consequence: synonymous variant.
Genome position (GRCh38, 1-based): chr6:42,704,485, G>A on the plus strand (C>T on the coding strand, the complement: PRPH2 is on the minus strand). VCF-style: chr6-42704485-G-A. GRCh37 (hg19) VCF-style: chr6-42672223-G-A.
Identifiers: ClinVar variation 98702 (VCV000098702.24), dbSNP rs61755813, ClinGen allele CA226298.

ClinVar aggregate classification (germline): Conflicting classifications of pathogenicity. Review status: criteria provided, conflicting classifications (1 of 4 stars). 13 submissions from 8 submitters: Uncertain significance (4); Benign (2); Likely benign (4). 3 of the submissions do not count toward it. Last evaluated 2026-01-05.

Conditions:
Retinitis pigmentosa (RP). Identifiers: Orphanet 791, MedGen C0035334, MeSH D012174, MONDO:0019200, OMIM 268000. Inheritance: Autosomal dominant, autosomal recessive and X linked inheritance.
PRPH2-related disorder. Also called: PRPH2-related disorders; PRPH2-related condition. Identifiers: MedGen CN239395.
Cone-rod dystrophy. Also called: Cone-rod degeneration; Cone/cone-rod dystrophy. Identifiers: Orphanet 1872, MedGen C4085590, MONDO:0015993, HP:0000548.
Patterned macular dystrophy 1. Also called: BUTTERFLY DYSTROPHY OF RETINAL PIGMENT EPITHELIUM; MACULAR DYSTROPHY, BUTTERFLY-SHAPED PIGMENTARY. Identifiers: Orphanet 99001, MedGen C4551999, MONDO:0008210, OMIM 169150.
Choroidal dystrophy, central areolar 2 (CACD2). Also called: MACULAR DYSTROPHY, PROGRESSIVE; Choriodal Dystrophy, Central Areolar 2. Identifiers: Orphanet 75377, MedGen C2751290, MONDO:0013137, OMIM 613105.
Pigmentary retinal dystrophy. Also called: Fundus albipunctatus. Identifiers: Orphanet 227796, Orphanet 52427, MedGen C0311338, MONDO:0007639, OMIM 136880, HP:0030642.
Adult-onset foveomacular vitelliform dystrophy. Also called: FOVEOMACULAR DYSTROPHY, ADULT-ONSET; FOVEOMACULAR DYSTROPHY, ADULT-ONSET, WITH OR WITHOUT CHOROIDAL NEOVASCULARIZATION; Adult onset vitelliform dystrophy. Identifiers: Orphanet 99000, MedGen C1842914, MONDO:0011979.

Allele frequency attached by ClinVar (database versions not stated): gnomAD exomes 0.00006 and 0.00016; 1000 Genomes Project 30x 0.00016; ExAC 0.00016; 1000 Genomes Project 0.00020; ESP Exome Variant Server 0.00054; gnomAD 0.00062; TOPMed 0.00065.
gnomAD v4.1: 184 of 1,614,104 alleles (0.011%); highest among the groups gnomAD compares: African/African-American, 0.19%; no homozygotes.

Submissions (13):

Labcorp Genetics (formerly Invitae), Labcorp
Classification: Likely benign for PRPH2-related disorder. Last evaluated: 2026-01-05. Review status: criteria provided, single submitter. Criteria: Invitae Variant Classification Sherloc (09022015). Collection method: clinical testing. Allele origin: germline.

Blueprint Genetics
Classification: Likely benign. Last evaluated: 2024-10-09. Review status: criteria provided, single submitter. Criteria: ACMG Guidelines, 2015. Collection method: clinical testing. Allele origin: germline.

Revvity Omics, Revvity
Classification: Uncertain significance. Last evaluated: 2019-10-18. Review status: criteria provided, single submitter. Criteria: ACMG Guidelines, 2015. Collection method: clinical testing. Allele origin: germline.

Eurofins Ntd Llc (ga)
Classification: Uncertain significance. Last evaluated: 2018-04-05. Review status: criteria provided, single submitter. Criteria: EGL ClinVar v180209 classification definitions. Collection method: clinical testing. Allele origin: germline. Observed: 1 variant allele, 1 heterozygote.

Illumina Laboratory Services, Illumina
Classification: Likely benign for Retinitis pigmentosa. Last evaluated: 2018-01-13. Review status: criteria provided, single submitter. Criteria: ICSL Variant Classification Criteria 13 December 2019. Collection method: clinical testing. Allele origin: germline.
Comment: This variant was observed in the ICSL laboratory as part of a predisposition screen in an ostensibly healthy population. It had not been previously curated by ICSL or reported in the Human Gene Mutation Database (HGMD: prior to June 1st, 2018), and was therefore a candidate for classification through an automated scoring system. Utilizing variant allele frequency, disease prevalence and penetrance estimates, and inheritance mode, an automated score was calculated to assess if this variant is too frequent to cause the disease. Based on the score and internal cut-off values, a variant classified as likely benign is not then subjected to further curation. The score for this variant resulted in a classification of likely benign for this disease.

Illumina Laboratory Services, Illumina
Classification: Uncertain significance for Pigmentary retinal dystrophy. Last evaluated: 2018-01-13. Review status: criteria provided, single submitter. Criteria: ICSL Variant Classification Criteria 13 December 2019. Collection method: clinical testing. Allele origin: germline.

Illumina Laboratory Services, Illumina
Classification: Benign for Choroidal dystrophy, central areolar 2. Last evaluated: 2018-01-13. Review status: criteria provided, single submitter. Criteria: ICSL Variant Classification Criteria 13 December 2019. Collection method: clinical testing. Allele origin: germline.
Comment: This variant was observed in the ICSL laboratory as part of a predisposition screen in an ostensibly healthy population. It had not been previously curated by ICSL or reported in the Human Gene Mutation Database (HGMD: prior to June 1st, 2018), and was therefore a candidate for classification through an automated scoring system. Utilizing variant allele frequency, disease prevalence and penetrance estimates, and inheritance mode, an automated score was calculated to assess if this variant is too frequent to cause the disease. Based on the score and internal cut-off values, a variant classified as benign is not then subjected to further curation. The score for this variant resulted in a classification of benign for this disease.

Illumina Laboratory Services, Illumina
Classification: Benign for Vitelliform macular dystrophy 3. Last evaluated: 2018-01-13. Review status: criteria provided, single submitter. Criteria: ICSL Variant Classification Criteria 13 December 2019. Collection method: clinical testing. Allele origin: germline.
Comment: the same text as in the submission from Illumina Laboratory Services, Illumina above.

Illumina Laboratory Services, Illumina
Classification: Likely benign for Cone-rod dystrophy. Last evaluated: 2018-01-13. Review status: criteria provided, single submitter. Criteria: ICSL Variant Classification Criteria 13 December 2019. Collection method: clinical testing. Allele origin: germline.
Comment: the same text as in the submission from Illumina Laboratory Services, Illumina above.

Illumina Laboratory Services, Illumina
Classification: Uncertain significance for Patterned macular dystrophy 1. Last evaluated: 2018-01-13. Review status: criteria provided, single submitter. Criteria: ICSL Variant Classification Criteria 13 December 2019. Collection method: clinical testing. Allele origin: germline.

PreventionGenetics, part of Exact Sciences
Classification: Likely benign for PRPH2-related condition. Last evaluated: 2023-02-14. Review status: no assertion criteria provided. Collection method: clinical testing. Allele origin: germline. Not counted in ClinVar's aggregate classification.
Comment: This variant is classified as likely benign based on ACMG/AMP sequence variant interpretation guidelines (Richards et al. 2015 PMID: 25741868, with internal and published modifications).

Leiden Open Variation Database
Classification: Likely benign. Last evaluated: 2021-04-06. Review status: no assertion criteria provided. Collection method: curation. Allele origin: germline. Affected: yes. Not counted in ClinVar's aggregate classification.
Comment: Curator: Global Variome, with Curator vacancy. Submitter to LOVD: Manon Peeters.

Retina International
No classification provided. Review status: no classification provided. Collection method: not provided. Allele origin: not provided. Not counted in ClinVar's aggregate classification.

Literature cited by the submitters: PubMed 9331261 (cited by Leiden Open Variation Database).